The following is an entry in ClinVar:

ClinVar aggregate classification (germline): Uncertain significance (1 of 4 stars; one submission).

Allele frequency attached by ClinVar (database versions not stated): gnomAD exomes below 0.00001.
gnomAD v4.1: 2 of 1,614,128 alleles (0.00012%); highest among the groups gnomAD compares: Non-Finnish European, 0.000085%; no homozygotes.

Submission:

Labcorp Genetics (formerly Invitae), Labcorp
Classification: Uncertain significance. Last evaluated: 2024-01-22. Review status: criteria provided, single submitter. Criteria: Invitae Variant Classification Sherloc (09022015). Collection method: clinical testing. Allele origin: germline.
Comment: This sequence change replaces threonine, which is neutral and polar, with methionine, which is neutral and non-polar, at codon 304 of the MMP9 protein (p.Thr304Met). This variant is not present in population databases (gnomAD no frequency). This variant has not been reported in the literature in individuals affected with MMP9-related conditions. Advanced modeling of protein sequence and biophysical properties (such as structural, functional, and spatial information, amino acid conservation, physicochemical variation, residue mobility, and thermodynamic stability) has been performed at Invitae for this missense variant, however the output from this modeling did not meet the statistical confidence thresholds required to predict the impact of this variant on MMP9 protein function. In summary, the available evidence is currently insufficient to determine the role of this variant in disease. Therefore, it has been classified as a Variant of Uncertain Significance.

NM_004994.3(MMP9):c.911C>T (p.Thr304Met)

Gene: MMP9 (matrix metallopeptidase 9; plus strand). Cytogenetic location: 20q13.12.
Variant type: single nucleotide variant.
Coding change: c.911C>T on transcript NM_004994.3 (MANE Select); coding-DNA position 911, C replaced by T.
Protein change: p.Thr304Met; replaces threonine 304 with methionine.
Molecular consequence: missense variant.
Genome position (GRCh38, 1-based): chr20:46,011,661, C>T. VCF-style: chr20-46011661-C-T. GRCh37 (hg19) VCF-style: chr20-44640300-C-T.
Other names: short protein forms T304M.
Identifiers: ClinVar variation 2761224 (VCV002761224.3), dbSNP rs2515612967, ClinGen allele CA409215097.
Genomic context (GRCh38, chr20:46,011,661, plus strand): 5'-ATGGGAAACCCTGCCAGTTTCCATTCATCTTCCAAGGCCAATCCTACTCCGCCTGCACCA[C>T]GGACGGTCGCTCCGACGGCTACCGCTGGTGCGCCACCACCGCCAACTACGACCGGGACAA-3'
Protein context (NP_004985.2, residues 294-314): FQGQSYSACT[Thr304Met]DGRSDGYRWC